The following is an entry in ClinVar:

ClinVar aggregate classification (germline): Uncertain significance (1 of 4 stars; one submission).

Conditions:
Tuberous sclerosis 1 (TSC1). Identifiers: Orphanet 805, MedGen C1854465, MONDO:0008612, OMIM 191100.

Submission:

Labcorp Genetics (formerly Invitae), Labcorp
Classification: Uncertain significance for Tuberous sclerosis 1. Last evaluated: 2018-12-21. Review status: criteria provided, single submitter. Criteria: Invitae Variant Classification Sherloc (09022015). Collection method: clinical testing. Allele origin: germline.
Comment: Algorithms developed to predict the effect of missense changes on protein structure and function are either unavailable or do not agree on the potential impact of this missense change (SIFT: "Tolerated"; PolyPhen-2: "Probably Damaging"; Align-GVGD: "Class C0"). This variant has not been reported in the literature in individuals with TSC1-related conditions. In summary, the available evidence is currently insufficient to determine the role of this variant in disease. Therefore, it has been classified as a Variant of Uncertain Significance. This variant is not present in population databases (ExAC no frequency). This sequence change replaces glutamic acid with glycine at codon 174 of the TSC1 protein (p.Glu174Gly). The glutamic acid residue is moderately conserved and there is a moderate physicochemical difference between glutamic acid and glycine.

NM_000368.5(TSC1):c.521A>G (p.Glu174Gly)

Gene: TSC1 (TSC complex subunit 1; minus strand). Cytogenetic location: 9q34.13.
Variant type: single nucleotide variant.
Coding change: c.521A>G on transcript NM_000368.5 (MANE Select); coding-DNA position 521, A replaced by G.
Protein change: p.Glu174Gly; replaces glutamic acid 174 with glycine.
Molecular consequence: missense variant.
Genome position (GRCh38, 1-based): chr9:132,921,961, T>C on the plus strand (A>G on the coding strand, the complement: TSC1 is on the minus strand). VCF-style: chr9-132921961-T-C. GRCh37 (hg19) VCF-style: chr9-135797348-T-C.
Other names: c.521A>G, p.Glu174Gly (NM_001162426.2); c.368A>G, p.Glu123Gly (NM_001162427.2); c.158A>G, p.Glu53Gly (NM_001362177.2); short protein forms E53G, E123G, E174G.
Identifiers: ClinVar variation 645118 (VCV000645118.8), dbSNP rs1588347661, ClinGen allele CA375372905.